The following is an entry in ClinVar:

ClinVar aggregate classification (germline): Likely benign (1 of 4 stars; one submission).

Conditions:
Complex neurodevelopmental disorder. Identifiers: Orphanet 528084, MedGen C5568766, MONDO:0100038.

gnomAD v4.1: 1 of 1,612,708 alleles (0.000062%); highest among the groups gnomAD compares: Admixed American, 0.0017%; no homozygotes.

Submission:

Centre for Medical Genetics,  Mumbai
Classification: Likely benign for Complex neurodevelopmental disorder. Last evaluated: 2026-04-07. Review status: criteria provided, single submitter. Criteria: ACMG Guidelines, 2015. Collection method: provider interpretation. Allele origin: germline. Inheritance: Autosomal dominant inheritance. Affected: no. Observed: 1 variant allele, 1 heterozygote.
Comment: The variant satisfies PM2 criteria - extremely low frequency in gnomAD population databases. The variant satisfies BP4 criteria - for a missense or a splice region variant, computational prediction tools unanimously support a benign effect on the gene. However, the variant satisfies BS2 criteria - present in heterozygous state in an individual that clinically does not have complex neurodevelopmental disorder.

Literature cited by the submitters: DOI 10.1016/j.celrep.2024.114797.

NM_001332.4(CTNND2):c.2638-4G>T

Gene: CTNND2 (catenin delta 2; minus strand). Cytogenetic location: 5p15.2.
Variant type: single nucleotide variant.
Coding change: c.2638-4G>T on transcript NM_001332.4 (MANE Select); 4 bases into the intron before coding-DNA position 2638, G replaced by T.
Molecular consequence: intron variant.
Genome position (GRCh38, 1-based): chr5:11,082,850, C>A on the plus strand (G>T on the coding strand, the complement: CTNND2 is on the minus strand). VCF-style: chr5-11082850-C-A. GRCh37 (hg19) VCF-style: chr5-11082962-C-A.
Other names: c.1339-4G>T (NM_001288717.2); c.1702-4G>T (NM_001364128.2); c.1627-4G>T (NM_001288716.1); c.2365-4G>T (NM_001288715.1).
Identifiers: ClinVar variation 4851335 (VCV004851335.1).
Genomic context (GRCh38, chr5:11,082,850, plus strand): 5'-CACGAGGATGGGCAGGCCTTTCTCTTTTCGGACAGCGGCTCGGATATATACTGACCACTG[C>A]AAAAACAGGGAAGGCGAAGGGCGTTAGAAACAGGAAGAAACCCTGCATGCAAATAGTACA-3'